The following is an entry in ClinVar:

NM_020975.6(RET):c.2362A>G (p.Ile788Val)

Gene: RET (ret proto-oncogene; plus strand). Cytogenetic location: 10q11.21.
Variant type: single nucleotide variant.
Coding change: c.2362A>G on transcript NM_020975.6 (MANE Select); coding-DNA position 2362, A replaced by G.
Protein change: p.Ile788Val; replaces isoleucine 788 with valine.
Molecular consequence: missense variant.
Genome position (GRCh38, 1-based): chr10:43,118,450, A>G. VCF-style: chr10-43118450-A-G. GRCh37 (hg19) VCF-style: chr10-43613898-A-G.
Other names: c.2362A>G, p.Ile788Val (NM_000323.2, NM_001406743.1, NM_001406744.1 and 4 more transcripts); c.1600A>G, p.Ile534Val (NM_001355216.2); c.2233A>G, p.Ile745Val (NM_001406761.1, NM_001406762.1, NM_001406764.1); c.2227A>G, p.Ile743Val (NM_001406763.1, NM_001406765.1); c.2074A>G, p.Ile692Val (NM_001406766.1, NM_001406767.1, NM_001406770.1); c.2098A>G, p.Ile700Val (NM_001406768.1); c.1966A>G, p.Ile656Val (NM_001406769.1, NM_001406772.1); c.1924A>G, p.Ile642Val (NM_001406771.1, NM_001406773.1); and 10 more; short protein forms I788V, I534V, I446V, I305V, I353V, I458V, I489V, I656V.
Identifiers: ClinVar variation 646051 (VCV000646051.10), dbSNP rs1588876533, ClinGen allele CA376555835.
Genomic context (GRCh38, chr10:43,118,450, plus strand): 5'-GAGCTGCGAGACCTGCTGTCAGAGTTCAACGTCCTGAAGCAGGTCAACCACCCACATGTC[A>G]TCAAATTGTATGGGGCCTGCAGCCAGGATGGTAAGGCCAGCTGCAGGGTGAGGTGGGCAG-3'
Protein context (NP_066124.1, residues 778-798): VLKQVNHPHV[Ile788Val]KLYGACSQDG

ClinVar aggregate classification (germline): Uncertain significance. Review status: criteria provided, multiple submitters, no conflicts (2 of 4 stars). 2 submissions from 2 submitters: Uncertain significance (2). Last evaluated 2024-01-11.

Conditions:
Multiple endocrine neoplasia, type 2 (MEN2). Identifiers: Orphanet 653, MedGen C4048306, MONDO:0019003. Disease mechanism: gain of function.

Submissions (2):

All of Us Research Program, National Institutes of Health
Classification: Uncertain significance for Multiple endocrine neoplasia, type 2. Last evaluated: 2024-01-11. Review status: criteria provided, single submitter. Criteria: ACMG Guidelines, 2015. Collection method: clinical testing. Allele origin: germline. Inheritance: Autosomal dominant inheritance. Observed: 2 variant alleles, 2 heterozygotes.
Comment: This missense variant replaces isoleucine with valine at codon 788 of the RET protein. Computational prediction is inconclusive regarding the impact of this variant on protein structure and function (internally defined REVEL score threshold 0.5 < inconclusive < 0.7, PMID: 27666373). To our knowledge, functional studies have not been reported for this variant. This variant has not been reported in individuals affected with RET-related disorders in the literature. This variant has not been identified in the general population by the Genome Aggregation Database (gnomAD). The available evidence is insufficient to determine the role of this variant in disease conclusively. Therefore, this variant is classified as a Variant of Uncertain Significance.

This study involves interpretation of variants in research participants for the purpose of population health screening. Participant phenotype was not available at the time of variant classification. Additional details can be found in publication PMID: 35346344, PMCID: PMC8962531

Labcorp Genetics (formerly Invitae), Labcorp
Classification: Uncertain significance for Multiple endocrine neoplasia, type 2. Last evaluated: 2020-01-21. Review status: criteria provided, single submitter. Criteria: Invitae Variant Classification Sherloc (09022015). Collection method: clinical testing. Allele origin: germline.
Comment: Algorithms developed to predict the effect of missense changes on protein structure and function are either unavailable or do not agree on the potential impact of this missense change (SIFT: "Deleterious"; PolyPhen-2: "Probably Damaging"; Align-GVGD: "Class C0"). This sequence change replaces isoleucine with valine at codon 788 of the RET protein (p.Ile788Val). The isoleucine residue is highly conserved and there is a small physicochemical difference between isoleucine and valine. This variant is not present in population databases (ExAC no frequency). This variant has not been reported in the literature in individuals with RET-related conditions. In summary, the available evidence is currently insufficient to determine the role of this variant in disease. Therefore, it has been classified as a Variant of Uncertain Significance.